The following is an entry in ClinVar:

NM_000815.5(GABRD):c.778C>G (p.Leu260Val)

Gene: GABRD (gamma-aminobutyric acid type A receptor subunit delta; plus strand). Cytogenetic location: 1p36.33.
Variant type: single nucleotide variant.
Coding change: c.778C>G on transcript NM_000815.5 (MANE Select); coding-DNA position 778, C replaced by G.
Protein change: p.Leu260Val; replaces leucine 260 with valine.
Molecular consequence: missense variant.
Genome position (GRCh38, 1-based): chr1:2,029,197, C>G. VCF-style: chr1-2029197-C-G. GRCh37 (hg19) VCF-style: chr1-1960636-C-G.
Other names: short protein forms L260V.
Identifiers: ClinVar variation 1805963 (VCV001805963.1), dbSNP rs1659014112, ClinGen allele CA337959210.

ClinVar aggregate classification (germline): Pathogenic (1 of 4 stars; one submission).

Conditions:
Epilepsy, idiopathic generalized, susceptibility to, 10. Identifiers: MedGen C2751603, MONDO:0013103, OMIM 613060.

Submission:

Victorian Clinical Genetics Services, Murdoch Childrens Research Institute
Classification: Pathogenic for Epilepsy, idiopathic generalized, susceptibility to, 10. Last evaluated: 2022-09-02. Review status: criteria provided, single submitter. Criteria: ACMG Guidelines, 2015. Collection method: clinical testing. Allele origin: germline. Inheritance: Autosomal dominant inheritance. Affected: yes.
Comment: Based on the classification scheme VCGS_Germline_v1.3.4, this variant is classified as Pathogenic. Following criteria are met: 0101 - Gain of function is a known mechanism of disease in this gene and is associated with epilepsy, idiopathic generalized, 10 (MIM#613060). Functional studies have shown several missense variants cause an increase in current amplitudes and affect channel gating leading to increased tonic GABAergic tone in the brain (PMID: 34633442). Functional studies have also shown that one missense variant observed in an individual with autism but normal intelligence and no seizures causes a loss of function effect (PMID: 34633442). (I) 0107 - This gene is associated with autosomal dominant disease. (I) 0200 - Variant is predicted to result in a missense amino acid change from leucine to valine. (I) 0251 - This variant is heterozygous. (I) 0301 - Variant is absent from gnomAD (both v2 and v3). (SP) 0309 - An alternative amino acid change at the same position has been observed in gnomAD (v3) (1 heterozygote, 0 homozygotes). (I) 0501 - Missense variant consistently predicted to be damaging by multiple in silico tools or highly conserved with a major amino acid change. (SP) 0600 - Variant is located in the annotated M1 transmembrane domain (PMID: 34633442). (I) 0705 - No comparable missense variants have previous evidence for pathogenicity. (I) 0802 - This variant has moderate previous evidence of pathogenicity in unrelated individuals. This variant has been observed as de novo in an individual with myoclonic seizures, epilepsy, severe developmental delay and intellectual disability (PMID: 34633442). (SP) 0905 - No published segregation evidence has been identified for this variant. (I) 1002 - This variant has moderate functional evidence supporting abnormal protein function. Functional studies have shown this variant has a gain of function effect on the protein (PMID: 34633442). (SP) Legend: (SP) - Supporting pathogenic, (I) - Information, (SB) - Supporting benign

Literature cited by the submitters: PubMed 34633442.